The following is an entry in ClinVar:

NM_017791.3(FLVCR2):c.1441G>A (p.Ala481Thr)

Gene: FLVCR2 (FLVCR choline and putative heme transporter 2; plus strand). Cytogenetic location: 14q24.3.
Variant type: single nucleotide variant.
Coding change: c.1441G>A on transcript NM_017791.3 (MANE Select); coding-DNA position 1441, G replaced by A.
Protein change: p.Ala481Thr; replaces alanine 481 with threonine.
Molecular consequence: missense variant.
Genome position (GRCh38, 1-based): chr14:75,641,281, G>A. VCF-style: chr14-75641281-G-A. GRCh37 (hg19) VCF-style: chr14-76107624-G-A.
Other names: c.826G>A, p.Ala276Thr (NM_001195283.2); short protein forms A481T, A276T.
Identifiers: ClinVar variation 314418 (VCV000314418.18), dbSNP rs35126362, ClinGen allele CA7278553.

ClinVar aggregate classification (germline): Benign. Review status: criteria provided, multiple submitters, no conflicts (2 of 4 stars). 5 submissions from 5 submitters: Benign (4). 1 of the submissions does not count toward it. Last evaluated 2026-01-17.

Conditions:
FLVCR2-related disorder. Also called: FLVCR2-related condition.
Posterior column ataxia-retinitis pigmentosa syndrome (RETSNS). Also called: RETINOPATHY-SENSORY NEUROPATHY SYNDROME. Identifiers: Orphanet 88628, MedGen C1836916, MONDO:0012177, OMIM 609033.

Allele frequency attached by ClinVar (database versions not stated): gnomAD exomes 0.00412; ExAC 0.00486; 1000 Genomes Project 0.01597; gnomAD 0.01599 and 0.01730; 1000 Genomes Project 30x 0.01671; ESP Exome Variant Server 0.01776; TOPMed 0.01798.

Submissions (5):

Labcorp Genetics (formerly Invitae), Labcorp
Classification: Benign. Last evaluated: 2026-01-17. Review status: criteria provided, single submitter. Criteria: Invitae Variant Classification Sherloc (09022015). Collection method: clinical testing. Allele origin: germline.

GeneDx
Classification: Benign. Last evaluated: 2020-04-28. Review status: criteria provided, single submitter. Criteria: GeneDx Variant Classification Process June 2021. Collection method: clinical testing. Allele origin: germline. Affected: yes.

Illumina Laboratory Services, Illumina
Classification: Benign for Posterior column ataxia-retinitis pigmentosa syndrome. Last evaluated: 2018-01-12. Review status: criteria provided, single submitter. Criteria: ICSL Variant Classification Criteria 13 December 2019. Collection method: clinical testing. Allele origin: germline.
Comment: This variant was observed in the ICSL laboratory as part of a predisposition screen in an ostensibly healthy population. It had not been previously curated by ICSL or reported in the Human Gene Mutation Database (HGMD: prior to June 1st, 2018), and was therefore a candidate for classification through an automated scoring system. Utilizing variant allele frequency, disease prevalence and penetrance estimates, and inheritance mode, an automated score was calculated to assess if this variant is too frequent to cause the disease. Based on the score and internal cut-off values, a variant classified as benign is not then subjected to further curation. The score for this variant resulted in a classification of benign for this disease.

Breakthrough Genomics
Classification: Benign. Review status: criteria provided, single submitter. Criteria: ACMG Guidelines, 2015. Collection method: not provided. Allele origin: germline. Inheritance: Autosomal recessive inheritance. Affected: yes.

PreventionGenetics, part of Exact Sciences
Classification: Benign for FLVCR2-related condition. Last evaluated: 2019-10-21. Review status: no assertion criteria provided. Collection method: clinical testing. Allele origin: germline. Not counted in ClinVar's aggregate classification.
Comment: This variant is classified as benign based on ACMG/AMP sequence variant interpretation guidelines (Richards et al. 2015 PMID: 25741868, with internal and published modifications).